The following is an entry in ClinVar:

ClinVar aggregate classification (germline): Uncertain significance (1 of 4 stars; one submission).

Submission:

Mayo Clinic Laboratories, Mayo Clinic
Classification: Uncertain significance. Last evaluated: 2022-09-06. Review status: criteria provided, single submitter. Criteria: ACMG Guidelines, 2015. Collection method: clinical testing. Allele origin: germline. Observed: 1 variant allele.
Comment: PP3, PM2

NM_004999.4(MYO6):c.2110G>C (p.Gly704Arg)

Gene: MYO6 (myosin VI; plus strand). Cytogenetic location: 6q14.1.
Variant type: single nucleotide variant.
Coding change: c.2110G>C on transcript NM_004999.4 (MANE Select); coding-DNA position 2110, G replaced by C.
Protein change: p.Gly704Arg; replaces glycine 704 with arginine.
Molecular consequence: missense variant. On other transcripts: non-coding transcript variant (1).
Genome position (GRCh38, 1-based): chr6:75,879,852, G>C. VCF-style: chr6-75879852-G-C. GRCh37 (hg19) VCF-style: chr6-76589569-G-C.
Other names: p.Gly704Arg; c.2110G>C, p.Gly704Arg (NM_001300899.2, NM_001368136.1, NM_001368137.1 and 2 more transcripts); c.2095G>C, p.Gly699Arg (NM_001368138.1); short protein forms G699R, G704R.
Identifiers: ClinVar variation 2682941 (VCV002682941.1), dbSNP rs2535492383, ClinGen allele CA364771119.